The following is an entry in ClinVar:

ClinVar aggregate classification (germline): Pathogenic. Review status: criteria provided, single submitter (1 of 4 stars). 2 submissions from 2 submitters: Pathogenic (1). 1 of the submissions does not count toward it. Last evaluated 2015-11-17.

Conditions:
Tuberous sclerosis syndrome (TSC). Also called: Tuberous Sclerosis Complex; Tuberous sclerosis. Identifiers: Orphanet 805, MedGen C0041341, MONDO:0001734.

Submissions (2):

Laboratory for Molecular Medicine, Mass General Brigham Personalized Medicine
Classification: Pathogenic for Tuberous sclerosis syndrome. Last evaluated: 2015-11-17. Review status: criteria provided, single submitter. Criteria: LMM Criteria. Collection method: clinical testing. Allele origin: germline. Inheritance: Autosomal dominant inheritance. Observed: 1 variant allele.
Comment: The p.Gln200X variant in TSC2 has been previously reported in 1 individual with Tuberous Sclerosis Complex (TSC) (Langkau 2002). It was absent from large popula tion studies (dbSNP rs45517115). This nonsense variant leads to a premature term ination codon at position 200, which is predicted to lead to a truncated or abse nt protein. Heterozygous loss of TSC2 function is an established disease mechani sm in TSC. In summary, this variant meets our criteria to be classified as path ogenic for TSC in an autosomal dominant manner.

Tuberous sclerosis database (TSC2)
No classification provided. Condition: TSC. Review status: no classification provided. Criteria: Tuberous Sclerosis Database Assertion Criteria 2015. Collection method: curation. Allele origin: germline. Affected: yes. Not counted in ClinVar's aggregate classification.

Literature cited by the submitters: PubMed 12111193 (cited by Laboratory for Molecular Medicine, Mass General Brigham Personalized Medicine).

NM_000548.5(TSC2):c.598C>T (p.Gln200Ter)

Gene: TSC2 (TSC complex subunit 2; plus strand). Cytogenetic location: 16p13.3.
Variant type: single nucleotide variant.
Coding change: c.598C>T on transcript NM_000548.5 (MANE Select); coding-DNA position 598, C replaced by T.
Protein change: p.Gln200Ter; replaces glutamine 200 with a stop codon.
Molecular consequence: nonsense. On other transcripts: intron variant (1).
Genome position (GRCh38, 1-based): chr16:2,055,518, C>T. VCF-style: chr16-2055518-C-T. GRCh37 (hg19) VCF-style: chr16-2105519-C-T.
Other names: c.598C>T, p.Gln200Ter (NM_001077183.3, NM_001114382.3, NM_001363528.2 and 3 more transcripts); c.487C>T, p.Gln163Ter (NM_001318827.2); c.451C>T, p.Gln151Ter (NM_001318829.2); c.631C>T, p.Gln211Ter (NM_001318832.2); c.-1-678C>T (NM_001318831.2); short protein forms Q200*, Q151*, Q163*, Q211*.
Identifiers: ClinVar variation 49376 (VCV000049376.6), dbSNP rs45517115, ClinGen allele CA022625.